The following is an entry in ClinVar:

ClinVar aggregate classification (germline): Likely benign. Review status: criteria provided, single submitter (1 of 4 stars). 2 submissions from 2 submitters: Likely benign (1). 1 of the submissions does not count toward it. Last evaluated 2016-03-16.

Conditions:
CACNA1C-related disorder. Also called: CACNA1C-related disorders; CACNA1C-related condition. Identifiers: MedGen CN381092, MONDO:0700321.

gnomAD v4.1: 39 of 1,613,840 alleles (0.0024%); highest among the groups gnomAD compares: Non-Finnish European, 0.003%; no homozygotes.

Submissions (2):

GeneDx
Classification: Likely benign. Last evaluated: 2016-03-16. Review status: criteria provided, single submitter. Criteria: GeneDx Variant Classification (06012015). Collection method: clinical testing. Allele origin: germline. Affected: yes.
Comment: This variant is considered likely benign or benign based on one or more of the following criteria: it is a conservative change, it occurs at a poorly conserved position in the protein, it is predicted to be benign by multiple in silico algorithms, and/or has population frequency not consistent with disease.

PreventionGenetics, part of Exact Sciences
Classification: Likely benign for CACNA1C-related condition. Last evaluated: 2021-02-16. Review status: no assertion criteria provided. Collection method: clinical testing. Allele origin: germline. Not counted in ClinVar's aggregate classification.
Comment: This variant is classified as likely benign based on ACMG/AMP sequence variant interpretation guidelines (Richards et al. 2015 PMID: 25741868, with internal and published modifications).

NM_000719.7(CACNA1C):c.3946-46C>T

Gene: CACNA1C (calcium voltage-gated channel subunit alpha1 C; plus strand). Cytogenetic location: 12p13.33.
Variant type: single nucleotide variant.
Coding change: c.3946-46C>T on transcript NM_000719.7 (MANE Select); 46 bases into the intron before coding-DNA position 3946, C replaced by T.
Molecular consequence: intron variant. On other transcripts: synonymous variant (1).
Genome position (GRCh38, 1-based): chr12:2,651,594, C>T. VCF-style: chr12-2651594-C-T. GRCh37 (hg19) VCF-style: chr12-2760760-C-T.
Other names: c.3966C>T, p.Pro1322= (NM_001129829.2); c.3946-46C>T (NM_001167624.3, NM_001167623.2, NM_001129840.2 and 7 more transcripts); c.3913-46C>T (NM_001167625.2, NM_001129837.2, NM_001129838.2 and 1 more transcripts); c.4090-46C>T (NM_199460.4, NM_001129827.2); c.4006-46C>T (NM_001129832.2); c.4030-46C>T (NM_001129831.2); c.3907-46C>T (NM_001129839.2); c.3997-46C>T (NM_001129836.2); and 2 more.
Identifiers: ClinVar variation 384905 (VCV000384905.3), dbSNP rs112919597, ClinGen allele CA6389422.
Genomic context (GRCh38, chr12:2,651,594, plus strand): 5'-TGCCTTCCGCCACTGCCACTGAGGTCTGTATTTCTCGGAGGGGCCCTCCTGTTCTCACCC[C>T]CCTCTTGCTGTGCTAACTGCACCTCCTGTTGCCGACGGGTTCCAGAACGCAGAGGAAAAC-3'